The following is an entry in ClinVar:

NM_000501.4(ELN):c.608del (p.Pro203fs)

Gene: ELN (elastin; plus strand). Cytogenetic location: 7q11.23.
Variant type: Deletion.
Coding change: c.608del on transcript NM_000501.4 (MANE Select); coding-DNA position 608, one base deleted (C; older notation c.608delC).
Protein change: p.Pro203fs; shifts the reading frame from proline 203.
Molecular consequence: frameshift variant.
Genome position (GRCh38, 1-based): chr7:74,046,732, C deleted; the last of 3 consecutive C bases (chr7:74,046,730-74,046,732); deleting any one gives the same sequence. VCF-style (leftmost placement, unchanged base first): chr7-74046729-TC-T. GRCh37 (hg19) VCF-style: chr7-73461059-TC-T.
Other names: c.578del, p.Pro193fs (NM_001081752.3, NM_001278917.2); c.623del, p.Pro208fs (NM_001081753.3, NM_001081754.3); c.542del, p.Pro181fs (NM_001278913.2); c.593del, p.Pro198fs (NM_001278914.2); c.608del, p.Pro203fs (NM_001278915.2, NM_001278916.2, NM_001081755.3 and 2 more transcripts); c.476del, p.Pro159fs (NM_001278918.2); short protein forms P193fs, P208fs, P181fs, P198fs, P159fs, P203fs.
Identifiers: ClinVar variation 178976 (VCV000178976.4), dbSNP rs727504581, ClinGen allele CA281486.

ClinVar aggregate classification (germline): Pathogenic (1 of 4 stars; one submission).

Conditions:
Supravalvar aortic stenosis (SVAS). Also called: Supravalvar aortic stenosis, Eisenberg type. Identifiers: Orphanet 3193, MedGen C0003499, MONDO:0008504, OMIM 185500, HP:0004381.

Submission:

Laboratory for Molecular Medicine, Mass General Brigham Personalized Medicine
Classification: Pathogenic for Supravalvular aortic stenosis. Last evaluated: 2013-04-26. Review status: criteria provided, single submitter. Criteria: LMM Criteria. Collection method: clinical testing. Allele origin: germline. Observed: 1 variant allele.
Comment: The Pro203fs variant in ELN has not been previously published or detected in our laboratory. This variant results in a frameshift beginning at position 203 and leads to a premature stop codon 120 amino acids downstream. This alteration is p redicted to lead to a truncated or absent protein. Truncating variants in ELN ar e an established cause of SVAS (Human Gene Mutation Database, HGMD). In summary, the Pro203fs variant meets our criteria for pathogenicity (s.org/lmm) based on the predicted impact of the variant.